The following is an entry in ClinVar:

NM_001001557.4(GDF6):c.*998G>C

Gene: GDF6 (growth differentiation factor 6; minus strand). Cytogenetic location: 8q22.1.
Variant type: single nucleotide variant.
Coding change: c.*998G>C on transcript NM_001001557.4 (MANE Select); 998 bases downstream of the stop codon, G replaced by C.
Molecular consequence: 3 prime UTR variant.
Genome position (GRCh38, 1-based): chr8:96,143,565, C>G on the plus strand (G>C on the coding strand, the complement: GDF6 is on the minus strand). VCF-style: chr8-96143565-C-G. GRCh37 (hg19) VCF-style: chr8-97155793-C-G.
Identifiers: ClinVar variation 364015 (VCV000364015.6), dbSNP rs114201878, ClinGen allele CA10631717.
Genomic context (GRCh38, chr8:96,143,565, plus strand): 5'-TTACGTTAATTGTTTTGTTCCCCACTCCTGCCCATTTTTTTGAACTGGAAAATCACCTTC[C>G]CCTTAGAAGTGCATGTCTGAATTTTGGCAAATTCTGTTGAAAGAAATCAATTAGAATCAG-3'

ClinVar aggregate classification (germline): Benign. Review status: criteria provided, multiple submitters, no conflicts (2 of 4 stars). 2 submissions from 2 submitters: Benign (2). Last evaluated 2018-01-12.

Conditions:
Klippel-Feil syndrome 1, autosomal dominant (KFS1). Also called: CERVICAL VERTEBRAL FUSION, AUTOSOMAL DOMINANT. Identifiers: Orphanet 2345, MedGen C1861689, MONDO:0007306, OMIM 118100.

Allele frequency attached by ClinVar (database versions not stated): gnomAD exomes 0.00691; gnomAD 0.02016 and 0.02137; TOPMed 0.02192; 1000 Genomes Project 0.02596; 1000 Genomes Project 30x 0.02733.
gnomAD v4.1: 3,297 of 152,738 alleles (2.2%); highest among the groups gnomAD compares: Middle Eastern, 8.8%; 64 homozygotes.

Submissions (2):

Illumina Laboratory Services, Illumina
Classification: Benign for Klippel-Feil syndrome 1, autosomal dominant. Last evaluated: 2018-01-12. Review status: criteria provided, single submitter. Criteria: ICSL Variant Classification Criteria 13 December 2019. Collection method: clinical testing. Allele origin: germline.
Comment: This variant was observed in the ICSL laboratory as part of a predisposition screen in an ostensibly healthy population. It had not been previously curated by ICSL or reported in the Human Gene Mutation Database (HGMD: prior to June 1st, 2018), and was therefore a candidate for classification through an automated scoring system. Utilizing variant allele frequency, disease prevalence and penetrance estimates, and inheritance mode, an automated score was calculated to assess if this variant is too frequent to cause the disease. Based on the score and internal cut-off values, a variant classified as benign is not then subjected to further curation. The score for this variant resulted in a classification of benign for this disease.

Breakthrough Genomics
Classification: Benign. Review status: criteria provided, single submitter. Criteria: ACMG Guidelines, 2015. Collection method: not provided. Allele origin: germline. Inheritance: Autosomal recessive inheritance. Affected: yes.